The following is an entry in ClinVar:

ClinVar aggregate classification (germline): Uncertain significance (1 of 4 stars; one submission).

Conditions:
Malignant hyperthermia, susceptibility to, 1 (MHS1). Also called: Anesthesia related hyperthermia; Malignant hyperpyrexia; Fulminating hyperpyrexia; Pharmacogenic myopathy; RYR1-Related Malignant Hyperthermia Susceptibility; Malignant hyperthermia suceptibility 1. Identifiers: Orphanet 423, MedGen C2930980, MONDO:0007783, OMIM 145600.

Submission:

All of Us Research Program, National Institutes of Health
Classification: Uncertain significance for Malignant hyperthermia, susceptibility to, 1. Last evaluated: 2023-10-23. Review status: criteria provided, single submitter. Criteria: ACMG Guidelines, 2015. Collection method: clinical testing. Allele origin: germline. Inheritance: Autosomal dominant inheritance. Observed: 1 variant allele, 1 heterozygote.
Comment: This missense variant replaces lysine with asparagine at codon 3715 of the RYR1 protein. Computational prediction is inconclusive regarding the impact of this variant on protein structure and function (internally defined REVEL score threshold 0.5 < inconclusive < 0.7, PMID: 27666373). To our knowledge, functional studies have not been reported for this variant. This variant has not been reported in individuals affected with RYR1-related disorders in the literature. This variant has not been identified in the general population by the Genome Aggregation Database (gnomAD). The available evidence is insufficient to determine the role of this variant in disease conclusively. Therefore, this variant is classified as a Variant of Uncertain Significance.

This study involves interpretation of variants in research participants for the purpose of population health screening. Participant phenotype was not available at the time of variant classification. Additional details can be found in publication PMID: 35346344, PMCID: PMC8962531

NM_000540.3(RYR1):c.11145A>T (p.Lys3715Asn)

Gene: RYR1 (ryanodine receptor 1; plus strand). Cytogenetic location: 19q13.2.
Variant type: single nucleotide variant.
Coding change: c.11145A>T on transcript NM_000540.3 (MANE Select); coding-DNA position 11145, A replaced by T.
Protein change: p.Lys3715Asn; replaces lysine 3715 with asparagine.
Molecular consequence: missense variant.
Genome position (GRCh38, 1-based): chr19:38,532,493, A>T. VCF-style: chr19-38532493-A-T. GRCh37 (hg19) VCF-style: chr19-39023133-A-T.
Other names: c.11130A>T, p.Lys3710Asn (NM_001042723.2); short protein forms K3710N, K3715N.
Identifiers: ClinVar variation 3074108 (VCV003074108.1), dbSNP rs2514515656, ClinGen allele CA405652221.